The following is an entry in ClinVar:

ClinVar aggregate classification (germline): Uncertain significance (1 of 4 stars; one submission).

Conditions:
Saldino-Mainzer syndrome (SRTD9). Also called: CONORENAL SYNDROME; SHORT-RIB THORACIC DYSPLASIA 9 WITHOUT POLYDACTYLY; short-rib thoracic dysplasia 9 with or without polydactyly; Renal dysplasia, retinal pigmentary dystrophy, cerebellar ataxia and skeletal dysplasia. Identifiers: Orphanet 140969, MedGen C1849437, MONDO:0009964, OMIM 266920.

Allele frequency attached by ClinVar (database versions not stated): gnomAD exomes below 0.00001; TOPMed below 0.00001; ExAC 0.00001; gnomAD 0.00002.
gnomAD v4.1: 5 of 1,607,860 alleles (0.00031%); highest among the groups gnomAD compares: Non-Finnish European, 0.00025%; no homozygotes.

Submission:

Labcorp Genetics (formerly Invitae), Labcorp
Classification: Uncertain significance for Saldino-Mainzer syndrome. Last evaluated: 2025-03-17. Review status: criteria provided, single submitter. Criteria: Invitae Variant Classification Sherloc (09022015). Collection method: clinical testing. Allele origin: germline.
Comment: This sequence change falls in intron 8 of the IFT140 gene. It does not directly change the encoded amino acid sequence of the IFT140 protein. It affects a nucleotide within the consensus splice site. This variant is present in population databases (rs776981733, gnomAD 0.004%). This variant has not been reported in the literature in individuals affected with IFT140-related conditions. ClinVar contains an entry for this variant (Variation ID: 933422). Variants that disrupt the consensus splice site are a relatively common cause of aberrant splicing (PMID: 17576681, 9536098). Algorithms developed to predict the effect of sequence changes on RNA splicing suggest that this variant is not likely to affect RNA splicing. In summary, the available evidence is currently insufficient to determine the role of this variant in disease. Therefore, it has been classified as a Variant of Uncertain Significance.

Literature cited by the submitters: PubMed 17576681; PubMed 9536098.

NM_014714.4(IFT140):c.902+3G>A

Genes: IFT140 (intraflagellar transport 140; minus strand), LOC105371046 (uncharacterized LOC105371046; plus strand). Cytogenetic location: 16p13.3.
Variant type: single nucleotide variant.
Coding change: c.902+3G>A on transcript NM_014714.4 (MANE Select); 3 bases into the intron after coding-DNA position 902, G replaced by A.
Molecular consequence: intron variant.
Genome position (GRCh38, 1-based): chr16:1,587,930, C>T on the plus strand (G>A on the coding strand, the complement: IFT140 is on the minus strand). VCF-style: chr16-1587930-C-T. GRCh37 (hg19) VCF-style: chr16-1637931-C-T.
Identifiers: ClinVar variation 933422 (VCV000933422.7), dbSNP rs776981733, ClinGen allele CA7814517.